The following is an entry in ClinVar:

NM_022114.4(PRDM16):c.1954G>A (p.Gly652Ser)

Gene: PRDM16 (PR/SET domain 16; plus strand). Cytogenetic location: 1p36.32.
Variant type: single nucleotide variant.
Coding change: c.1954G>A on transcript NM_022114.4 (MANE Select); coding-DNA position 1954, G replaced by A.
Protein change: p.Gly652Ser; replaces glycine 652 with serine.
Molecular consequence: missense variant.
Genome position (GRCh38, 1-based): chr1:3,412,151, G>A. VCF-style: chr1-3412151-G-A. GRCh37 (hg19) VCF-style: chr1-3328715-G-A.
Other names: c.1954G>A, p.Gly652Ser (NM_199454.3); short protein forms G652S.
Identifiers: ClinVar variation 638814 (VCV000638814.8), dbSNP rs376706452, ClinGen allele CA544343.

ClinVar aggregate classification (germline): Uncertain significance (1 of 4 stars; one submission).

Conditions:
Left ventricular noncompaction 8 (LVNC8). Identifiers: Orphanet 154, Orphanet 54260, MedGen C3809288, MONDO:0014152, OMIM 615373.

Allele frequency attached by ClinVar (database versions not stated): ExAC 0.00001; gnomAD exomes 0.00001 and 0.00002; gnomAD 0.00003; TOPMed 0.00003; ESP Exome Variant Server 0.00008.
gnomAD v4.1: 20 of 1,561,368 alleles (0.0013%); highest among the groups gnomAD compares: Middle Eastern, 0.034%; no homozygotes.

Submission:

Labcorp Genetics (formerly Invitae), Labcorp
Classification: Uncertain significance for Left ventricular noncompaction 8. Last evaluated: 2025-11-17. Review status: criteria provided, single submitter. Criteria: Invitae Variant Classification Sherloc (09022015). Collection method: clinical testing. Allele origin: germline.
Comment: This sequence change replaces glycine, which is neutral and non-polar, with serine, which is neutral and polar, at codon 652 of the PRDM16 protein (p.Gly652Ser). This variant is present in population databases (rs376706452, gnomAD 0.01%). This variant has not been reported in the literature in individuals affected with PRDM16-related conditions. ClinVar contains an entry for this variant (Variation ID: 638814). An algorithm developed to predict the effect of missense changes on protein structure and function outputs the following: PolyPhen-2: "Benign". The serine amino acid residue is found in multiple mammalian species, which suggests that this missense change does not adversely affect protein function. In summary, the available evidence is currently insufficient to determine the role of this variant in disease. Therefore, it has been classified as a Variant of Uncertain Significance.